The following is an entry in ClinVar:

NM_001389.5(DSCAM):c.2268C>T (p.Val756=)

Gene: DSCAM (DS cell adhesion molecule; minus strand). Cytogenetic location: 21q22.2.
Variant type: single nucleotide variant.
Coding change: c.2268C>T on transcript NM_001389.5 (MANE Select); coding-DNA position 2268, C replaced by T.
Protein change: p.Val756=; no amino-acid change (valine 756 retained).
Molecular consequence: synonymous variant. On other transcripts: non-coding transcript variant (1).
Genome position (GRCh38, 1-based): chr21:40,276,185, G>A on the plus strand (C>T on the coding strand, the complement: DSCAM is on the minus strand). VCF-style: chr21-40276185-G-A. GRCh37 (hg19) VCF-style: chr21-41648112-G-A.
Other names: c.2268C>T, p.Val756= (NM_001271534.3).
Identifiers: ClinVar variation 726483 (VCV000726483.27), dbSNP rs369438004, ClinGen allele CA10031305.

ClinVar aggregate classification (germline): Likely benign. Review status: criteria provided, multiple submitters, no conflicts (2 of 4 stars). 2 submissions from 2 submitters: Likely benign (2). Last evaluated 2022-11-01.

Allele frequency attached by ClinVar (database versions not stated): ESP Exome Variant Server 0.00008; TOPMed 0.00014; 1000 Genomes Project 0.00020; 1000 Genomes Project 30x 0.00031.
gnomAD v4.1: 77 of 1,613,314 alleles (0.0048%); highest among the groups gnomAD compares: African/African-American, 0.04%; no homozygotes.

Submissions (2):

CeGaT Center for Human Genetics Tuebingen
Classification: Likely benign. Last evaluated: 2022-11-01. Review status: criteria provided, single submitter. Criteria: CeGaT Center For Human Genetics Tuebingen Variant Classification Criteria Version 2. Collection method: clinical testing. Allele origin: germline. Affected: yes. Observed: 1 variant allele.
Comment: DSCAM: BP4, BP7

Labcorp Genetics (formerly Invitae), Labcorp
Classification: Likely benign. Last evaluated: 2018-02-12. Review status: criteria provided, single submitter. Criteria: Invitae Variant Classification Sherloc (09022015). Collection method: clinical testing. Allele origin: germline.